The following is an entry in ClinVar:

ClinVar aggregate classification (germline): Uncertain significance. Review status: criteria provided, multiple submitters, no conflicts (2 of 4 stars). 2 submissions from 2 submitters: Uncertain significance (2). Last evaluated 2024-01-04.

Conditions:
Hyperaldosteronism, familial, type IV (HALD4). Also called: FH IV; ALDOSTERONISM, PRIMARY, AND HYPERTENSION. Identifiers: Orphanet 642671, MedGen C4310756, MONDO:0014875, OMIM 617027.
Idiopathic generalized epilepsy. Also called: EIG; Generalised epilepsy. Identifiers: MedGen C0270850, MONDO:0005579, OMIM 600669.

Submissions (2):

GeneDx
Classification: Uncertain significance. Last evaluated: 2024-01-04. Review status: criteria provided, single submitter. Criteria: GeneDx Variant Classification Process June 2021. Collection method: clinical testing. Allele origin: germline. Affected: yes.
Comment: In-frame deletion of 1 amino acid in a non-repeat region; Not observed at significant frequency in large population cohorts (gnomAD); In silico analysis supports a deleterious effect on protein structure/function; Has not been previously published as pathogenic or benign to our knowledge

Labcorp Genetics (formerly Invitae), Labcorp
Classification: Uncertain significance for Idiopathic generalized epilepsy; Hyperaldosteronism, familial, type IV. Last evaluated: 2022-02-03. Review status: criteria provided, single submitter. Criteria: Invitae Variant Classification Sherloc (09022015). Collection method: clinical testing. Allele origin: germline.
Comment: This variant is not present in population databases (gnomAD no frequency). In summary, the available evidence is currently insufficient to determine the role of this variant in disease. Therefore, it has been classified as a Variant of Uncertain Significance. Experimental studies and prediction algorithms are not available or were not evaluated, and the functional significance of this variant is currently unknown. This variant has not been reported in the literature in individuals affected with CACNA1H-related conditions. This variant, c.3901_3903del, results in the deletion of 1 amino acid(s) of the CACNA1H protein (p.Leu1301del), but otherwise preserves the integrity of the reading frame.

NM_021098.3(CACNA1H):c.3901_3903del (p.Leu1301del)

Gene: CACNA1H (calcium voltage-gated channel subunit alpha1 H; plus strand). Cytogenetic location: 16p13.3.
Variant type: Deletion.
Coding change: c.3901_3903del on transcript NM_021098.3 (MANE Select); coding-DNA positions 3901 to 3903, 3 bases deleted (CTC; older notation c.3901_3903delCTC).
Protein change: p.Leu1301del; deletes leucine 1301.
Molecular consequence: inframe deletion.
Genome position (GRCh38, 1-based): chr16:1,210,425-1,210,427, CTC deleted; deleting any 3 consecutive bases within chr16:1,210,423-1,210,427 gives the same sequence; the c. name uses the placement nearest the transcript's 3' end. VCF-style (leftmost placement, unchanged base first): chr16-1210422-GTCC-G. GRCh37 (hg19) VCF-style: chr16-1260422-GTCC-G.
Other names: c.3901_3903del (NM_021098.2); c.3901_3903del, p.Leu1301del (NM_001005407.2); short protein forms L1301del.
Identifiers: ClinVar variation 2092626 (VCV002092626.5), dbSNP rs2548698614, ClinGen allele CA2580090399.
Genomic context (GRCh38, chr16:1,210,422, plus strand): 5'-CCACCCAGGTTCCGCGTCTCCTGCCAGAAGGTCATCACACACAAGATGTTTGATCACGTG[GTCC>G]TCGTCTTCATCTTCCTCAACTGCGTCACCATCGCCCTGGAGAGGCCTGACATTGATCCCG-3'